The following is an entry in ClinVar:

ClinVar aggregate classification (germline): Uncertain significance. Review status: criteria provided, multiple submitters, no conflicts (2 of 4 stars). 2 submissions from 2 submitters: Uncertain significance (2). Last evaluated 2025-08-20.

Conditions:
Inborn genetic diseases. Identifiers: MedGen C0950123, MeSH D030342.

gnomAD v4.1: 32 of 1,614,048 alleles (0.002%); highest among the groups gnomAD compares: African/African-American, 0.029%; no homozygotes.

Submissions (2):

Ambry Genetics
Classification: Uncertain significance for Inborn genetic diseases. Last evaluated: 2025-08-20. Review status: criteria provided, single submitter. Criteria: Ambry Variant Classification Scheme 2023. Collection method: clinical testing. Allele origin: germline.

Mayo Clinic Laboratories, Mayo Clinic
Classification: Uncertain significance. Last evaluated: 2023-07-06. Review status: criteria provided, single submitter. Criteria: ACMG Guidelines, 2015. Collection method: clinical testing. Allele origin: germline. Observed: 1 variant allele.
Comment: BP4

NM_001355436.2(SPTB):c.6673G>A (p.Ala2225Thr)

Genes: PLEKHG3 (pleckstrin homology and RhoGEF domain containing G3; plus strand), SPTB (spectrin beta, erythrocytic; minus strand). Cytogenetic location: 14q23.3.
Variant type: single nucleotide variant.
Coding change: c.6673G>A on transcript NM_001355436.2 (MANE Select); coding-DNA position 6673, G replaced by A.
Protein change: p.Ala2225Thr; replaces alanine 2225 with threonine.
Molecular consequence: missense variant. On other transcripts: 3 prime UTR variant (1).
Genome position (GRCh38, 1-based): chr14:64,750,084, C>T on the plus strand (G>A on the coding strand, the complement: SPTB is on the minus strand). VCF-style: chr14-64750084-C-T. GRCh37 (hg19) VCF-style: chr14-65216802-C-T.
Other names: p.Ala2225Thr; c.*6381C>T (NM_001308147.2); c.6673G>A, p.Ala2225Thr (NM_001024858.4); c.6673G>A (NM_001024858.2); short protein forms A2225T.
Identifiers: ClinVar variation 3380198 (VCV003380198.2).